The following is an entry in ClinVar:

NM_004422.3(DVL2):c.1662del (p.Gln554fs)

Gene: DVL2 (dishevelled segment polarity protein 2; minus strand). Cytogenetic location: 17p13.1.
Variant type: Deletion.
Coding change: c.1662del on transcript NM_004422.3 (MANE Select); coding-DNA position 1662, one base deleted (A; older notation c.1662delA).
Protein change: p.Gln554fs; shifts the reading frame from glutamine 554.
Molecular consequence: frameshift variant.
Genome position (GRCh38, 1-based): chr17:7,226,521, T deleted on the plus strand (A on the coding strand, the reverse complement: DVL2 is on the minus strand); the first of 2 consecutive T bases (chr17:7,226,521-7,226,522); deleting either gives the same sequence. VCF-style (leftmost placement, unchanged base first): chr17-7226520-AT-A. GRCh37 (hg19) VCF-style: chr17-7129839-AT-A.
Other names: short protein forms Q554fs.
Identifiers: ClinVar variation 5001001 (VCV005001001.1).

ClinVar aggregate classification (germline): Uncertain significance (1 of 4 stars; one submission).

Conditions:
DVL2-related disorder. Also called: DVL2-related condition.

Submission:

PreventionGenetics, part of Exact Sciences
Classification: Uncertain significance for DVL2-related condition. Last evaluated: 2024-11-22. Review status: criteria provided, single submitter. Criteria: ACMG Guidelines, 2015. Collection method: clinical testing. Allele origin: germline.
Comment: The DVL2 c.1662delA variant is predicted to result in a frameshift and premature protein termination (p.Gln554Hisfs*127). To our knowledge, this variant has not been reported in the literature or in a large population database (gnomAD), indicating this variant is rare. Although we suspect that this variant may be pathogenic, at this time, the clinical significance of this variant is uncertain due to the absence of conclusive functional and genetic evidence.